The following is an entry in ClinVar:

NM_000069.3(CACNA1S):c.2228-10C>T

Gene: CACNA1S (calcium voltage-gated channel subunit alpha1 S; minus strand). Cytogenetic location: 1q32.1.
Variant type: single nucleotide variant.
Coding change: c.2228-10C>T on transcript NM_000069.3 (MANE Select); 10 bases into the intron before coding-DNA position 2228, C replaced by T.
Molecular consequence: intron variant.
Genome position (GRCh38, 1-based): chr1:201,070,414, G>A on the plus strand (C>T on the coding strand, the complement: CACNA1S is on the minus strand). VCF-style: chr1-201070414-G-A. GRCh37 (hg19) VCF-style: chr1-201039542-G-A.
Identifiers: ClinVar variation 2136684 (VCV002136684.5), dbSNP rs764645751, ClinGen allele CA078887.

ClinVar aggregate classification (germline): Likely benign. Review status: criteria provided, multiple submitters, no conflicts (2 of 4 stars). 2 submissions from 2 submitters: Likely benign (2). Last evaluated 2025-03-05.

Conditions:
Hypokalemic periodic paralysis, type 1. Also called: HypoPP; Hypokalemic Periodic Paralysis Type 1 (AD). Identifiers: Orphanet 681, MedGen C3714580, MONDO:0042979, OMIM 170400.
Malignant hyperthermia, susceptibility to, 5 (MHS5). Also called: CACNA1S-Related Malignant Hyperthermia Susceptibility. Identifiers: Orphanet 423, MedGen C1866077, MONDO:0011163, OMIM 601887.

Allele frequency attached by ClinVar (database versions not stated): ExAC 0.00001; gnomAD exomes 0.00001.
gnomAD v4.1: 7 of 1,613,646 alleles (0.00043%); highest among the groups gnomAD compares: Non-Finnish European, 0.00059%; no homozygotes.

Submissions (2):

Labcorp Genetics (formerly Invitae), Labcorp
Classification: Likely benign for Hypokalemic periodic paralysis, type 1; Malignant hyperthermia, susceptibility to, 5. Last evaluated: 2025-03-05. Review status: criteria provided, single submitter. Criteria: Invitae Variant Classification Sherloc (09022015). Collection method: clinical testing. Allele origin: germline.

All of Us Research Program, National Institutes of Health
Classification: Likely benign for Malignant hyperthermia, susceptibility to, 5. Last evaluated: 2023-10-27. Review status: criteria provided, single submitter. Criteria: ACMG Guidelines, 2015. Collection method: clinical testing. Allele origin: germline. Inheritance: Autosomal dominant inheritance. Observed: 1 variant allele, 1 heterozygote.
Comment: This study involves interpretation of variants in research participants for the purpose of population health screening. Participant phenotype was not available at the time of variant classification. Additional details can be found in publication PMID: 35346344, PMCID: PMC8962531